The following is an entry in ClinVar:

ClinVar aggregate classification (germline): Pathogenic (0 of 4 stars; one submission).

Conditions:
Chromosome 22q11.2 microduplication syndrome. Also called: 22q11.2 microduplication syndrome; CHROMOSOME 22q11.2 DUPLICATION SYNDROME. Identifiers: Orphanet 1727, MedGen C2675369, MONDO:0012020, OMIM 608363.

Submission:

Shanghai First Maternity and Infant Hospital, Tongji University
Classification: Pathogenic for Chromosome 22q11.2 microduplication syndrome. Last evaluated: 2019-03-02. Review status: no assertion criteria provided. Collection method: clinical testing. Allele origin: unknown. Affected: no. Observed: 2 variant alleles.
Comment: two fetuses with normal ultrasound

GRCh37/hg19 22q11.21(chr22:19819477-21464764)x3

Genes: AIFM3 (AIF family member 3; plus strand), ARVCF (ARVCF delta catenin family member; minus strand), COMT (catechol-O-methyltransferase; plus strand), CRKL (CRK like proto-oncogene, adaptor protein; plus strand), DGCR6L (DiGeorge syndrome critical region gene 6 like; minus strand) and 25 more. Cytogenetic location: 22q11.21.
Variant type: copy number gain.
Change: copy number 3 (three copies instead of two) of chr22:19,819,477-21,464,764 (1.65 Mb, GRCh37 coordinates, 1-based), cytogenetic band 22q11.21.
Identifiers: ClinVar variation 636288 (VCV000636288.2).